The following is an entry in ClinVar:

NM_001036.6(RYR3):c.3348C>T (p.Ala1116=)

Gene: RYR3 (ryanodine receptor 3; plus strand). Cytogenetic location: 15q14.
Variant type: single nucleotide variant.
Coding change: c.3348C>T on transcript NM_001036.6 (MANE Select); coding-DNA position 3348, C replaced by T.
Protein change: p.Ala1116=; no amino-acid change (alanine 1116 retained).
Molecular consequence: synonymous variant.
Genome position (GRCh38, 1-based): chr15:33,635,786, C>T. VCF-style: chr15-33635786-C-T. GRCh37 (hg19) VCF-style: chr15-33927987-C-T.
Other names: c.3348C>T, p.Ala1116= (NM_001243996.4).
Identifiers: ClinVar variation 779821 (VCV000779821.30), dbSNP rs189409991, ClinGen allele CA7458664.

ClinVar aggregate classification (germline): Benign/Likely benign. Review status: criteria provided, multiple submitters, no conflicts (2 of 4 stars). 3 submissions from 3 submitters: Benign (1); Likely benign (1). 1 of the submissions does not count toward it. Last evaluated 2024-06-01.

Conditions:
RYR3-related disorder. Also called: RYR3-related condition.
Epileptic encephalopathy. Identifiers: MedGen C0543888, HP:0200134.

Allele frequency attached by ClinVar (database versions not stated): gnomAD exomes 0.00006 and 0.00017; ExAC 0.00028; gnomAD 0.00051 and 0.00052; TOPMed 0.00071; ESP Exome Variant Server 0.00115; 1000 Genomes Project 0.00160; 1000 Genomes Project 30x 0.00172.
gnomAD v4.1: 176 of 1,613,356 alleles (0.011%); highest among the groups gnomAD compares: African/African-American, 0.2%; 1 homozygote.

Submissions (3):

CeGaT Center for Human Genetics Tuebingen
Classification: Likely benign. Last evaluated: 2024-06-01. Review status: criteria provided, single submitter. Criteria: CeGaT Center For Human Genetics Tuebingen Variant Classification Criteria Version 2. Collection method: clinical testing. Allele origin: germline. Affected: yes. Observed: 1 variant allele.
Comment: RYR3: BP4, BP7

Labcorp Genetics (formerly Invitae), Labcorp
Classification: Benign for Epileptic encephalopathy. Last evaluated: 2022-07-26. Review status: criteria provided, single submitter. Criteria: Invitae Variant Classification Sherloc (09022015). Collection method: clinical testing. Allele origin: germline.

PreventionGenetics, part of Exact Sciences
Classification: Likely benign for RYR3-related condition. Last evaluated: 2019-02-20. Review status: no assertion criteria provided. Collection method: clinical testing. Allele origin: germline. Not counted in ClinVar's aggregate classification.
Comment: This variant is classified as likely benign based on ACMG/AMP sequence variant interpretation guidelines (Richards et al. 2015 PMID: 25741868, with internal and published modifications).